The following is an entry in ClinVar:

ClinVar aggregate classification (germline): Uncertain significance (1 of 4 stars; one submission).

Allele frequency attached by ClinVar (database versions not stated): TOPMed below 0.00001; gnomAD 0.00001.
gnomAD v4.1: 1 of 1,614,004 alleles (0.000062%); highest among the groups gnomAD compares: Non-Finnish European, 0.000085%; no homozygotes.

Submission:

Labcorp Genetics (formerly Invitae), Labcorp
Classification: Uncertain significance. Last evaluated: 2023-01-21. Review status: criteria provided, single submitter. Criteria: Invitae Variant Classification Sherloc (09022015). Collection method: clinical testing. Allele origin: germline.
Comment: Algorithms developed to predict the effect of missense changes on protein structure and function are either unavailable or do not agree on the potential impact of this missense change (SIFT: "Deleterious"; PolyPhen-2: "Benign"; Align-GVGD: "Class C0"). In summary, the available evidence is currently insufficient to determine the role of this variant in disease. Therefore, it has been classified as a Variant of Uncertain Significance. This variant has not been reported in the literature in individuals affected with MAP3K7-related conditions. This variant is not present in population databases (gnomAD no frequency). This sequence change replaces alanine, which is neutral and non-polar, with threonine, which is neutral and polar, at codon 151 of the MAP3K7 protein (p.Ala151Thr).

NM_145331.3(MAP3K7):c.451G>A (p.Ala151Thr)

Gene: MAP3K7 (mitogen-activated protein kinase kinase kinase 7; minus strand). Cytogenetic location: 6q15.
Variant type: single nucleotide variant.
Coding change: c.451G>A on transcript NM_145331.3 (MANE Select); coding-DNA position 451, G replaced by A.
Protein change: p.Ala151Thr; replaces alanine 151 with threonine.
Molecular consequence: missense variant.
Genome position (GRCh38, 1-based): chr6:90,560,107, C>T on the plus strand (G>A on the coding strand, the complement: MAP3K7 is on the minus strand). VCF-style: chr6-90560107-C-T. GRCh37 (hg19) VCF-style: chr6-91269826-C-T.
Other names: c.451G>A, p.Ala151Thr (NM_003188.4, NM_145332.3, NM_145333.3); short protein forms A151T.
Identifiers: ClinVar variation 2830841 (VCV002830841.3), dbSNP rs1265335108, ClinGen allele CA365015084.